The following is an entry in ClinVar:

ClinVar aggregate classification (germline): Uncertain significance (1 of 4 stars; one submission).

Conditions:
Surfactant metabolism dysfunction, pulmonary, 4 (SMDP4). Also called: CSF2RA DEFICIENCY; PULMONARY ALVEOLAR PROTEINOSIS, CONGENITAL, 4; PAP DUE TO CSF2RA DEFICIENCY. Identifiers: Orphanet 264675, MedGen C2677877, MONDO:0010424, OMIM 300770.

Allele frequency attached by ClinVar (database versions not stated): gnomAD 0.00007; TOPMed 0.00008.
gnomAD v4.1: 29 of 1,613,690 alleles (0.0018%); highest among the groups gnomAD compares: African/African-American, 0.027%; 1 homozygote.

Submission:

Labcorp Genetics (formerly Invitae), Labcorp
Classification: Uncertain significance for Surfactant metabolism dysfunction, pulmonary, 4. Last evaluated: 2022-05-21. Review status: criteria provided, single submitter. Criteria: Invitae Variant Classification Sherloc (09022015). Collection method: clinical testing. Allele origin: germline.
Comment: This sequence change replaces valine, which is neutral and non-polar, with alanine, which is neutral and non-polar, at codon 226 of the CSF2RA protein (p.Val226Ala). This variant is present in population databases (no rsID available, gnomAD 0.04%), including at least one homozygous and/or hemizygous individual. This variant has not been reported in the literature in individuals affected with CSF2RA-related conditions. Algorithms developed to predict the effect of missense changes on protein structure and function are either unavailable or do not agree on the potential impact of this missense change (SIFT: "Tolerated"; PolyPhen-2: "Not Available"; Align-GVGD: "Class C0"). In summary, the available evidence is currently insufficient to determine the role of this variant in disease. Therefore, it has been classified as a Variant of Uncertain Significance.

NM_172245.4(CSF2RA):c.677T>C (p.Val226Ala)

Gene: CSF2RA (colony stimulating factor 2 receptor subunit alpha; plus strand). Cytogenetic location: Xp22.33.
Variant type: single nucleotide variant.
Coding change: c.677T>C on transcript NM_172245.4 (MANE Select); coding-DNA position 677, T replaced by C.
Protein change: p.Val226Ala; replaces valine 226 with alanine.
Molecular consequence: missense variant. On other transcripts: non-coding transcript variant (1), intron variant (1).
Genome position (GRCh38, 1-based): chrX:1,294,358, T>C. VCF-style: chrX-1294358-T-C. GRCh37 (hg19) VCF-style: chrX-1413251-T-C.
Other names: c.677T>C, p.Val226Ala (NM_001161529.2, NM_001161530.2, NM_001161531.2 and 19 more transcripts); c.278T>C, p.Val93Ala (NM_001161532.2); c.658T>C, p.Tyr220His (NM_001379166.1); c.646+3849T>C (NM_172249.4); short protein forms Y220H, V226A, V93A.
Identifiers: ClinVar variation 2143172 (VCV002143172.1), dbSNP rs774472033, ClinGen allele CA10330945.